The following is an entry in ClinVar:

ClinVar aggregate classification (germline): Uncertain significance (1 of 4 stars; one submission).

Submission:

Labcorp Genetics (formerly Invitae), Labcorp
Classification: Uncertain significance. Last evaluated: 2023-10-03. Review status: criteria provided, single submitter. Criteria: Invitae Variant Classification Sherloc (09022015). Collection method: clinical testing. Allele origin: germline.
Comment: This sequence change falls in intron 12 of the DARS gene. It does not directly change the encoded amino acid sequence of the DARS protein. This variant is not present in population databases (gnomAD no frequency). This variant has not been reported in the literature in individuals affected with DARS-related conditions. ClinVar contains an entry for this variant (Variation ID: 2024046). Algorithms developed to predict the effect of sequence changes on RNA splicing suggest that this variant may disrupt the consensus splice site. In summary, the available evidence is currently insufficient to determine the role of this variant in disease. Therefore, it has been classified as a Variant of Uncertain Significance.

NM_001349.4(DARS1):c.1150-10_1150-8del

Gene: DARS1 (aspartyl-tRNA synthetase 1; minus strand). Cytogenetic location: 2q21.3.
Variant type: Deletion.
Coding change: c.1150-10_1150-8del on transcript NM_001349.4 (MANE Select); 10 bases into the intron before coding-DNA position 1150 through 8 bases into the intron before coding-DNA position 1150, 3 bases deleted (CTT; older notation c.1150-10_1150-8delCTT).
Molecular consequence: intron variant.
Genome position (GRCh38, 1-based): chr2:135,912,574-135,912,576, AAG deleted on the plus strand (CTT on the coding strand, the reverse complement: DARS1 is on the minus strand); deleting any 3 consecutive bases within chr2:135,912,574-135,912,578 gives the same sequence; the c. name uses the placement nearest the transcript's 3' end. VCF-style (leftmost placement, unchanged base first): chr2-135912573-AAAG-A. GRCh37 (hg19) VCF-style: chr2-136670143-AAAG-A.
Other names: c.850-10_850-8del (NM_001293312.1).
Identifiers: ClinVar variation 2024046 (VCV002024046.4), dbSNP rs2467349834, ClinGen allele CA2577108717.
Genomic context (GRCh38, chr2:135,912,573, plus strand): 5'-GAAAGGTCTTACAGCCAATGGATATTTATCAAGAATATAAAAATCTGTATCATACTATAA[AAAG>A]AATAAATGCAATTAAAATACATTTTTAAAAAGTAAAATGGCTAACATTTTGGTAATTAAC-3'